The following is an entry in ClinVar:

ClinVar aggregate classification (germline): Pathogenic. Review status: criteria provided, single submitter (1 of 4 stars). 2 submissions from 2 submitters: Pathogenic (1). 1 of the submissions does not count toward it. Last evaluated 2017-04-07.

Conditions:
Cerebellar dysfunction with variable cognitive and behavioral abnormalities (CECBA). Also called: Nonprogressive cerebellar atxia with intellectual disability. Identifiers: Orphanet 314647, MedGen C3553661, MONDO:0013886, OMIM 614756.

Submissions (2):

GeneDx
Classification: Pathogenic. Last evaluated: 2017-04-07. Review status: criteria provided, single submitter. Criteria: GeneDx Variant Classification (06012015). Collection method: clinical testing. Allele origin: germline. Affected: yes.
Comment: The W209X variant in the CAMTA1 gene has not been reported previously as a pathogenic variant nor as a benign variant, to our knowledge. This variant is predicted to cause loss of normal protein function either through protein truncation or nonsense-mediated mRNA decay. The W209X variant is not observed in large population cohorts (Lek et al., 2016; 1000 Genomes Consortium et al., 2015; Exome Variant Server). We interpret W209X as a pathogenic variant.

OMIM
Classification: Pathogenic for CEREBELLAR DYSFUNCTION WITH VARIABLE COGNITIVE AND BEHAVIORAL ABNORMALITIES. Last evaluated: 2022-02-24. Review status: no assertion criteria provided. Collection method: literature only. Allele origin: germline. Not counted in ClinVar's aggregate classification.

Literature cited by the submitters: PubMed 33131045 (cited by OMIM).

NM_015215.4(CAMTA1):c.627del (p.Lys208_Trp209insTer)

Gene: CAMTA1 (calmodulin binding transcription activator 1; plus strand). Cytogenetic location: 1p36.23.
Variant type: Deletion.
Coding change: c.627del on transcript NM_015215.4 (MANE Select); coding-DNA position 627, one base deleted (G; older notation c.627delG).
Protein change: p.Lys208_Trp209insTer.
Molecular consequence: nonsense.
Genome position (GRCh38, 1-based): chr1:7,640,516, G deleted; the last of 2 consecutive G bases (chr1:7,640,515-7,640,516); deleting either gives the same sequence. VCF-style (leftmost placement, unchanged base first): chr1-7640514-TG-T. GRCh37 (hg19) VCF-style: chr1-7700574-TG-T.
Other names: c.537del, p.Lys178_Trp179insTer (NM_001349608.2, NM_001349612.2); c.627del, p.Lys208_Trp209insTer (NM_001349609.2, NM_001349610.2); c.627del (NM_015215.3).
Identifiers: ClinVar variation 426685 (VCV000426685.3), dbSNP rs1085307743, ClinGen allele CA645293863.
Genomic context (GRCh38, chr1:7,640,514, plus strand): 5'-GGCAAGCCTTGCGGCCCCATCCTCTGCTCCATCAACACCGACAAGAAGGAGTGGGCGAAA[TG>T]GACGAAAGAAGAGCTCATCGGGCAGCTGAAACCCATGTGTGAGTGGCCTTGGCCGGCCTG-3'